The following is an entry in ClinVar:

NM_000264.5(PTCH1):c.2497A>C (p.Met833Leu)

Genes: PTCH1 (patched 1; minus strand), LOC100507346 (uncharacterized LOC100507346; plus strand). Cytogenetic location: 9q22.32.
Variant type: single nucleotide variant.
Coding change: c.2497A>C on transcript NM_000264.5 (MANE Select); coding-DNA position 2497, A replaced by C.
Protein change: p.Met833Leu; replaces methionine 833 with leucine.
Molecular consequence: missense variant. On other transcripts: non-coding transcript variant (2).
Genome position (GRCh38, 1-based): chr9:95,467,179, T>G on the plus strand (A>C on the coding strand, the complement: PTCH1 is on the minus strand). VCF-style: chr9-95467179-T-G. GRCh37 (hg19) VCF-style: chr9-98229461-T-G.
Other names: c.2299A>C, p.Met767Leu (NM_001083602.3); c.2494A>C, p.Met832Leu (NM_001083603.3); c.2044A>C, p.Met682Leu (NM_001083604.3, NM_001083605.3, NM_001083606.3 and 1 more transcripts); c.2341A>C, p.Met781Leu (NM_001354918.2); short protein forms M767L, M832L, M781L, M682L, M833L.
Identifiers: ClinVar variation 3699767 (VCV003699767.2).

ClinVar aggregate classification (germline): Uncertain significance (1 of 4 stars; one submission).

Conditions:
Gorlin syndrome. Also called: Nevoid Basal Cell Carcinoma Syndrome; Basal cell nevus syndrome. Identifiers: Orphanet 377, MedGen C0004779, MONDO:0007187.

Submission:

Labcorp Genetics (formerly Invitae), Labcorp
Classification: Uncertain significance for Gorlin syndrome. Last evaluated: 2024-12-16. Review status: criteria provided, single submitter. Criteria: Invitae Variant Classification Sherloc (09022015). Collection method: clinical testing. Allele origin: germline.
Comment: This sequence change replaces methionine, which is neutral and non-polar, with leucine, which is neutral and non-polar, at codon 833 of the PTCH1 protein (p.Met833Leu). This variant is not present in population databases (gnomAD no frequency). This variant has not been reported in the literature in individuals affected with PTCH1-related conditions. Invitae Evidence Modeling of protein sequence and biophysical properties (such as structural, functional, and spatial information, amino acid conservation, physicochemical variation, residue mobility, and thermodynamic stability) indicates that this missense variant is not expected to disrupt PTCH1 protein function with a negative predictive value of 95%. In summary, the available evidence is currently insufficient to determine the role of this variant in disease. Therefore, it has been classified as a Variant of Uncertain Significance.